The following is an entry in ClinVar:

ClinVar aggregate classification (germline): Benign/Likely benign. Review status: criteria provided, multiple submitters, no conflicts (2 of 4 stars). 7 submissions from 7 submitters: Benign (1); Likely benign (6). Last evaluated 2026-02-02.

Conditions:
Cornelia de Lange syndrome 3 (CDLS3). Also called: SMC3-Related Cornelia de Lange Syndrome; CORNELIA DE LANGE SYNDROME 3 WITH OR WITHOUT MIDLINE BRAIN DEFECTS. Identifiers: Orphanet 199, MedGen C1853099, MONDO:0012555, OMIM 610759.

Allele frequency attached by ClinVar (database versions not stated): gnomAD exomes 0.00026 and 0.00087; ExAC 0.00110; 1000 Genomes Project 0.00300; gnomAD 0.00334 and 0.00359; 1000 Genomes Project 30x 0.00359; ESP Exome Variant Server 0.00377; TOPMed 0.00405.
gnomAD v4.1: 910 of 1,603,786 alleles (0.057%); highest among the groups gnomAD compares: African/African-American, 1.1%; 6 homozygotes.

Submissions (9):

Labcorp Genetics (formerly Invitae), Labcorp
Classification: Benign for Cornelia de Lange syndrome 3. Last evaluated: 2026-02-02. Review status: criteria provided, single submitter. Criteria: Invitae Variant Classification Sherloc (09022015). Collection method: clinical testing. Allele origin: germline.

CeGaT Center for Human Genetics Tuebingen
Classification: Likely benign. Last evaluated: 2025-12-01. Review status: criteria provided, single submitter. Criteria: CeGaT Center For Human Genetics Tuebingen Variant Classification Criteria Version 2. Collection method: clinical testing. Allele origin: germline. Affected: yes. Observed: 1 variant allele.
Comment: SMC3: BP4, BS1

Blueprint Genetics
Classification: Likely benign. Last evaluated: 2024-10-18. Review status: criteria provided, single submitter. Criteria: ACMG Guidelines, 2015. Collection method: clinical testing. Allele origin: germline.

Fulgent Genetics
Classification: Likely benign for Cornelia de Lange syndrome 3. Last evaluated: 2021-10-13. Review status: criteria provided, single submitter. Criteria: ACMG Guidelines, 2015. Collection method: clinical testing. Allele origin: unknown.

GeneDx
Classification: Likely benign. Last evaluated: 2020-08-07. Review status: criteria provided, single submitter. Criteria: GeneDx Variant Classification Process June 2021. Collection method: clinical testing. Allele origin: germline. Affected: yes.

Center for Pediatric Genomic Medicine, Children's Mercy Hospital and Clinics
Classification: Likely benign. Last evaluated: 2017-01-24. Review status: criteria provided, single submitter. Criteria: ACMG Guidelines, 2015. Collection method: clinical testing. Allele origin: germline.
ClinVar note: Converted during submission from Likely Benign to Likely benign.

Genetic Services Laboratory, University of Chicago
Classification: Likely benign. Last evaluated: 2014-12-19. Review status: criteria provided, single submitter. Criteria: ACMG Guidelines, 2015. Collection method: clinical testing. Allele origin: germline.

Dr. Peter K. Rogan Lab, Western University
No classification provided (evidence only). Condition: Acute myeloid leukemia. Review status: no classification provided. Collection method: in vitro. Allele origin: not applicable. Functional consequence: retained intron. Not counted in ClinVar's aggregate classification.

Dr. Peter K. Rogan Lab, Western University
No classification provided (evidence only). Condition: Acute myeloid leukemia. Review status: no classification provided. Collection method: in vitro. Allele origin: not applicable. Functional consequence: retained intron. Not counted in ClinVar's aggregate classification.

NM_005445.4(SMC3):c.2644+6T>A

Gene: SMC3 (structural maintenance of chromosomes 3; plus strand). Cytogenetic location: 10q25.2.
Variant type: single nucleotide variant.
Coding change: c.2644+6T>A on transcript NM_005445.4 (MANE Select); 6 bases into the intron after coding-DNA position 2644, T replaced by A.
Molecular consequence: intron variant.
Genome position (GRCh38, 1-based): chr10:110,601,136, T>A. VCF-style: chr10-110601136-T-A. GRCh37 (hg19) VCF-style: chr10-112360894-T-A.
Identifiers: ClinVar variation 159981 (VCV000159981.27), dbSNP rs201281088, ClinGen allele CA173528.
Genomic context (GRCh38, chr10:110,601,136, plus strand): 5'-TCAGAACTTGAAGCCATCAATAAAAGAGTAAAAGACACTATGGCACGATCAGAAGGTGAA[T>A]TTTTATGTAGTAAAATTTTGTTTATATGCATGTTTTATAAAATTGTTTACTACAGAATGA-3'